The following is an entry in ClinVar:

NM_000384.3(APOB):c.9641A>G (p.Asn3214Ser)

Gene: APOB (apolipoprotein B; minus strand). Cytogenetic location: 2p24.1.
Variant type: single nucleotide variant.
Coding change: c.9641A>G on transcript NM_000384.3 (MANE Select); coding-DNA position 9641, A replaced by G.
Protein change: p.Asn3214Ser; replaces asparagine 3214 with serine.
Molecular consequence: missense variant.
Genome position (GRCh38, 1-based): chr2:21,007,227, T>C on the plus strand (A>G on the coding strand, the complement: APOB is on the minus strand). VCF-style: chr2-21007227-T-C. GRCh37 (hg19) VCF-style: chr2-21230099-T-C.
Other names: short protein forms N3214S.
Identifiers: ClinVar variation 630265 (VCV000630265.18), dbSNP rs763030591, ClinGen allele CA066719.

ClinVar aggregate classification (germline): Conflicting classifications of pathogenicity. Review status: criteria provided, conflicting classifications (1 of 4 stars). 2 submissions from 2 submitters: Uncertain significance (1); Likely benign (1). Last evaluated 2025-10-11.

Conditions:
Hypercholesterolemia, autosomal dominant, type B (FHCL2). Also called: APOB-Related Familial Hypercholesterolemia, Autosomal Dominant; Hyperlipoproteinemia Type IIb; Familial Hypercholesterolemia Type B; APOLIPOPROTEIN B-100, FAMILIAL DEFECTIVE; APOLIPOPROTEIN B-100, FAMILIAL LIGAND-DEFECTIVE; Familial hypercholesterolemia 2. Identifiers: MedGen C1704417, MONDO:0007751, OMIM 144010.
Familial hypobetalipoproteinemia 1. Also called: APOB-Related Familial Hypobetalipoproteinemia; Hypobetalipoproteinemia, normotriglyceridemic; Acanthocytosis with hypobetalipoproteinemia. Identifiers: MedGen C4551990, MONDO:0014252, OMIM 615558.
Cardiovascular phenotype. Identifiers: MedGen CN230736.

Allele frequency attached by ClinVar (database versions not stated): gnomAD 0.00002 and 0.00003; gnomAD exomes 0.00002 and 0.00001; TOPMed 0.00002; ExAC 0.00002.
gnomAD v4.1: 19 of 1,613,374 alleles (0.0012%); highest among the groups gnomAD compares: Middle Eastern, 0.082%; no homozygotes.

Submissions (2):

Labcorp Genetics (formerly Invitae), Labcorp
Classification: Likely benign for Familial hypobetalipoproteinemia 1; Hypercholesterolemia, autosomal dominant, type B. Last evaluated: 2025-10-11. Review status: criteria provided, single submitter. Criteria: Invitae Variant Classification Sherloc (09022015). Collection method: clinical testing. Allele origin: germline.

Ambry Genetics
Classification: Uncertain significance for Cardiovascular phenotype. Last evaluated: 2025-06-16. Review status: criteria provided, single submitter. Criteria: Ambry Variant Classification Scheme 2023. Collection method: clinical testing. Allele origin: germline.
Comment: The p.N3214S variant (also known as c.9641A>G), located in coding exon 26 of the APOB gene, results from an A to G substitution at nucleotide position 9641. The asparagine at codon 3214 is replaced by serine, an amino acid with highly similar properties. This amino acid position is poorly conserved in available vertebrate species. In addition, this alteration is predicted to be tolerated by in silico analysis. Since supporting evidence is limited at this time, the clinical significance of this alteration remains unclear.

Literature cited by the submitters: PubMed 36973604 (cited by Ambry Genetics).